The following is an entry in ClinVar:

NM_020435.4(GJC2):c.1195T>C (p.Ser399Pro)

Gene: GJC2 (gap junction protein gamma 2; plus strand). Cytogenetic location: 1q42.13.
Variant type: single nucleotide variant.
Coding change: c.1195T>C on transcript NM_020435.4 (MANE Select); coding-DNA position 1195, T replaced by C.
Protein change: p.Ser399Pro; replaces serine 399 with proline.
Molecular consequence: missense variant.
Genome position (GRCh38, 1-based): chr1:228,158,953, T>C. VCF-style: chr1-228158953-T-C. GRCh37 (hg19) VCF-style: chr1-228346654-T-C.
Other names: short protein forms S399P.
Identifiers: ClinVar variation 2174422 (VCV002174422.4), dbSNP rs1426810188, ClinGen allele CA345100741.
Genomic context (GRCh38, chr1:228,158,953, plus strand): 5'-GCGGCCTCCCGGGGGCCCCCCAGAGCAGGCGCCCCCGCGTCCCGGACGGGCAGTGCTACC[T>C]CTGCGGGCACTGTCGGGGAGCAGGGCCGGCCCGGCACCCACGAGCGGCCAGGAGCCAAGC-3'
Protein context (NP_065168.2, residues 389-409): APASRTGSAT[Ser399Pro]AGTVGEQGRP

ClinVar aggregate classification (germline): Uncertain significance (1 of 4 stars; one submission).

Conditions:
Spastic paraplegia. Identifiers: MedGen C0037772, HP:0001258.

Allele frequency attached by ClinVar (database versions not stated): gnomAD exomes 0.00002.
gnomAD v4.1: 27 of 1,575,884 alleles (0.0017%); highest among the groups gnomAD compares: Non-Finnish European, 0.0022%; no homozygotes.

Submission:

Labcorp Genetics (formerly Invitae), Labcorp
Classification: Uncertain significance for Spastic paraplegia. Last evaluated: 2022-04-12. Review status: criteria provided, single submitter. Criteria: Invitae Variant Classification Sherloc (09022015). Collection method: clinical testing. Allele origin: germline.
Comment: This sequence change replaces serine, which is neutral and polar, with proline, which is neutral and non-polar, at codon 399 of the GJC2 protein (p.Ser399Pro). In summary, the available evidence is currently insufficient to determine the role of this variant in disease. Therefore, it has been classified as a Variant of Uncertain Significance. Algorithms developed to predict the effect of missense changes on protein structure and function are either unavailable or do not agree on the potential impact of this missense change (SIFT: "Deleterious"; PolyPhen-2: "Benign"; Align-GVGD: "Class C65"). This variant has not been reported in the literature in individuals affected with GJC2-related conditions. This variant is present in population databases (no rsID available, gnomAD 0.001%).